The following is an entry in ClinVar:

ClinVar aggregate classification (germline): Uncertain significance. Review status: criteria provided, multiple submitters, no conflicts (2 of 4 stars). 2 submissions from 2 submitters: Uncertain significance (2). Last evaluated 2025-12-29.

Conditions:
Inborn genetic diseases. Identifiers: MedGen C0950123, MeSH D030342.
Autosomal dominant childhood-onset proximal spinal muscular atrophy with contractures (SMALED2A). Also called: Spinal muscular atrophy, lower extremity-predominant, 2A, autosomal dominant; SPINAL MUSCULAR ATROPHY, LOWER EXTREMITY-PREDOMINANT, 2A, CHILDHOOD ONSET, AUTOSOMAL DOMINANT. Identifiers: Orphanet 363447, Orphanet 363454, MedGen C4747715, MONDO:0014121, OMIM 615290.

Allele frequency attached by ClinVar (database versions not stated): TOPMed below 0.00001; gnomAD exomes 0.00001; ExAC 0.00002.
gnomAD v4.1: 9 of 1,613,444 alleles (0.00056%); highest among the groups gnomAD compares: South Asian, 0.0011%; no homozygotes.

Submissions (2):

Labcorp Genetics (formerly Invitae), Labcorp
Classification: Uncertain significance for Autosomal dominant childhood-onset proximal spinal muscular atrophy with contractures. Last evaluated: 2025-12-29. Review status: criteria provided, single submitter. Criteria: Invitae Variant Classification Sherloc (09022015). Collection method: clinical testing. Allele origin: germline.
Comment: This sequence change replaces arginine, which is basic and polar, with tryptophan, which is neutral and slightly polar, at codon 687 of the BICD2 protein (p.Arg687Trp). This variant is present in population databases (rs771388324, gnomAD 0.0009%). This variant has not been reported in the literature in individuals affected with BICD2-related conditions. ClinVar contains an entry for this variant (Variation ID: 1785176). Invitae Evidence Modeling of protein sequence and biophysical properties (such as structural, functional, and spatial information, amino acid conservation, physicochemical variation, residue mobility, and thermodynamic stability) indicates that this missense variant is expected to disrupt BICD2 protein function with a positive predictive value of 80%. In summary, the available evidence is currently insufficient to determine the role of this variant in disease. Therefore, it has been classified as a Variant of Uncertain Significance.

Ambry Genetics
Classification: Uncertain significance for Inborn genetic diseases. Last evaluated: 2020-06-25. Review status: criteria provided, single submitter. Criteria: Ambry Variant Classification Scheme 2023. Collection method: clinical testing. Allele origin: germline.
Comment: The p.R687W variant (also known as c.2059C>T), located in coding exon 5 of the BICD2 gene, results from a C to T substitution at nucleotide position 2059. The arginine at codon 687 is replaced by tryptophan, an amino acid with dissimilar properties. This amino acid position is highly conserved in available vertebrate species. In addition, this alteration is predicted to be deleterious by in silico analysis. Since supporting evidence is limited at this time, the clinical significance of this alteration remains unclear.

NM_001003800.2(BICD2):c.2059C>T (p.Arg687Trp)

Gene: BICD2 (BICD cargo adaptor 2; minus strand). Cytogenetic location: 9q22.31.
Variant type: single nucleotide variant.
Coding change: c.2059C>T on transcript NM_001003800.2 (MANE Select); coding-DNA position 2059, C replaced by T.
Protein change: p.Arg687Trp; replaces arginine 687 with tryptophan.
Molecular consequence: missense variant.
Genome position (GRCh38, 1-based): chr9:92,718,586, G>A on the plus strand (C>T on the coding strand, the complement: BICD2 is on the minus strand). VCF-style: chr9-92718586-G-A. GRCh37 (hg19) VCF-style: chr9-95480868-G-A.
Other names: c.2059C>T, p.Arg687Trp (NM_015250.4); short protein forms R687W.
Identifiers: ClinVar variation 1785176 (VCV001785176.3), dbSNP rs771388324, ClinGen allele CA5126421.